The following is an entry in ClinVar:

ClinVar aggregate classification (germline): Likely pathogenic (1 of 4 stars; one submission).

Conditions:
Dilated cardiomyopathy 1G (CMD1G). Identifiers: Orphanet 154, MedGen C1858763, MONDO:0011400, OMIM 604145.
Autosomal recessive limb-girdle muscular dystrophy type 2J (LGMDR10). Also called: Limb-girdle muscular dystrophy, type 2J; MUSCULAR DYSTROPHY, LIMB-GIRDLE, AUTOSOMAL RECESSIVE 10. Identifiers: Orphanet 140922, MedGen C1837342, MONDO:0012127, OMIM 608807.

Submission:

Labcorp Genetics (formerly Invitae), Labcorp
Classification: Likely pathogenic for Dilated cardiomyopathy 1G; Autosomal recessive limb-girdle muscular dystrophy type 2J. Last evaluated: 2022-05-13. Review status: criteria provided, single submitter. Criteria: Invitae Variant Classification Sherloc (09022015). Collection method: clinical testing. Allele origin: germline.
Comment: This variant is not present in population databases (gnomAD no frequency). In summary, the currently available evidence indicates that the variant is pathogenic, but additional data are needed to prove that conclusively. Therefore, this variant has been classified as Likely Pathogenic. This variant is located in the A band of TTN (PMID: 25589632). Truncating variants in this region are significantly overrepresented in patients affected with dilated cardiomyopathy (PMID: 25589632). Truncating variants in this region have also been reported in individuals affected with autosomal recessive centronuclear myopathy (PMID: 23975875). This variant has not been reported in the literature in individuals affected with TTN-related conditions. This sequence change creates a premature translational stop signal (p.Glu31258*) in the TTN gene. While this is not anticipated to result in nonsense mediated decay, it is expected to create a truncated TTN protein.

Literature cited by the submitters: PubMed 25589632; PubMed 23975875.

NM_001267550.2(TTN):c.93772G>T (p.Glu31258Ter)

Genes: TTN-AS1 (TTN antisense RNA 1; plus strand), TTN (titin; minus strand). Cytogenetic location: 2q31.2.
Variant type: single nucleotide variant.
Coding change: c.93772G>T on transcript NM_001267550.2 (MANE Select); coding-DNA position 93772, G replaced by T.
Protein change: p.Glu31258Ter; replaces glutamic acid 31258 with a stop codon.
Molecular consequence: nonsense.
Genome position (GRCh38, 1-based): chr2:178,547,854, C>A on the plus strand (G>T on the coding strand, the complement: TTN is on the minus strand). VCF-style: chr2-178547854-C-A. GRCh37 (hg19) VCF-style: chr2-179412581-C-A.
Other names: c.88849G>T, p.Glu29617Ter (NM_001256850.1); c.66577G>T, p.Glu22193Ter (NM_003319.4); c.86068G>T, p.Glu28690Ter (NM_133378.4); c.66952G>T, p.Glu22318Ter (NM_133432.3); c.67153G>T, p.Glu22385Ter (NM_133437.4); short protein forms E28690*, E31258*, E22385*, E29617*, E22193*, E22318*.
Identifiers: ClinVar variation 1993916 (VCV001993916.4), dbSNP rs994627256, ClinGen allele CA349481035.
Genomic context (GRCh38, chr2:178,547,854, plus strand): 5'-TGTCCTTTACAGTCAGTGTGGTTCTGTCTTTTGTTGTTGTAATGCTCACTCGATCTGTCT[C>A]TTTAAGTCTCATTTCTTCCAGTTTCCATGTTACTTTGGGGGCAGGACGACCACTGATTGG-3'